The following is an entry in ClinVar:

NM_006996.3(SLC19A2):c.631C>T (p.Pro211Ser)

Gene: SLC19A2 (solute carrier family 19 member 2; minus strand). Cytogenetic location: 1q24.2.
Variant type: single nucleotide variant.
Coding change: c.631C>T on transcript NM_006996.3 (MANE Select); coding-DNA position 631, C replaced by T.
Protein change: p.Pro211Ser; replaces proline 211 with serine.
Molecular consequence: missense variant. On other transcripts: intron variant (1).
Genome position (GRCh38, 1-based): chr1:169,477,331, G>A on the plus strand (C>T on the coding strand, the complement: SLC19A2 is on the minus strand). VCF-style: chr1-169477331-G-A. GRCh37 (hg19) VCF-style: chr1-169446569-G-A.
Other names: c.205-7145C>T (NM_001319667.1); short protein forms P211S.
Identifiers: ClinVar variation 2179018 (VCV002179018.1), dbSNP rs753843088, ClinGen allele CA1233035.

ClinVar aggregate classification (germline): Uncertain significance (1 of 4 stars; one submission).

Allele frequency attached by ClinVar (database versions not stated): gnomAD exomes 0.00001; TOPMed 0.00001; ExAC 0.00002.

Submission:

Labcorp Genetics (formerly Invitae), Labcorp
Classification: Uncertain significance. Last evaluated: 2021-12-24. Review status: criteria provided, single submitter. Criteria: Invitae Variant Classification Sherloc (09022015). Collection method: clinical testing. Allele origin: germline.
Comment: This sequence change replaces proline, which is neutral and non-polar, with serine, which is neutral and polar, at codon 211 of the SLC19A2 protein (p.Pro211Ser). This variant is present in population databases (rs753843088, gnomAD 0.003%). This variant has not been reported in the literature in individuals affected with SLC19A2-related conditions. Advanced modeling of protein sequence and biophysical properties (such as structural, functional, and spatial information, amino acid conservation, physicochemical variation, residue mobility, and thermodynamic stability) performed at Invitae indicates that this missense variant is expected to disrupt SLC19A2 protein function. In summary, the available evidence is currently insufficient to determine the role of this variant in disease. Therefore, it has been classified as a Variant of Uncertain Significance.